The following is an entry in ClinVar:

NM_000016.6(ACADM):c.257del (p.Gly85_Leu86insTer)

Gene: ACADM (acyl-CoA dehydrogenase medium chain; plus strand). Cytogenetic location: 1p31.1.
Variant type: Deletion.
Coding change: c.257del on transcript NM_000016.6 (MANE Select); coding-DNA position 257, one base deleted (T; older notation c.257delT).
Protein change: p.Gly85_Leu86insTer.
Molecular consequence: nonsense. On other transcripts: frameshift variant (1), 5 prime UTR variant (1).
Genome position (GRCh38, 1-based): chr1:75,732,893, T deleted; the last of 3 consecutive T bases (chr1:75,732,891-75,732,893); deleting any one gives the same sequence. VCF-style (leftmost placement, unchanged base first): chr1-75732890-GT-G. GRCh37 (hg19) VCF-style: chr1-76198575-GT-G.
Other names: c.257delT, p.Leu86Terfs (NM_000016.5); c.269del, p.Gly89_Leu90insTer (NM_001127328.3); c.149del, p.Gly49_Leu50insTer (NM_001286042.2); c.257del, p.Gly85_Leu86insTer (NM_001286043.2); c.-129del (NM_001286044.2).
Identifiers: ClinVar variation 4064795 (VCV004064795.2).

ClinVar aggregate classification (germline): Likely pathogenic (1 of 4 stars; one submission).

Conditions:
Medium-chain acyl-coenzyme A dehydrogenase deficiency (ACADMD). Also called: ACADM DEFICIENCY; CARNITINE DEFICIENCY SECONDARY TO MEDIUM-CHAIN ACYL-CoA DEHYDROGENASE DEFICIENCY; MCADH DEFICIENCY; MCADD; Medium chain acyl-CoA dehydrogenase deficiency; MCAD Deficiency. Identifiers: Orphanet 42, MedGen C0220710, MONDO:0008721, OMIM 201450.

Submission:

Natera, Inc.
Classification: Likely pathogenic for Medium Chain Acyl-CoA Dehydrogenase Deficiency. Last evaluated: 2025-01-23. Review status: criteria provided, single submitter. Criteria: Natera Variant Classification Schema (03/2026). Collection method: clinical testing. Allele origin: germline.
Comment: The c.257del variant in ACADM is a frameshift variant predicted to shift the reading frame and introduce a stop codon. This variant is expected to result in nonsense mediated decay, truncation, or a dysfunctional protein product. This variant is rare in the general population with a frequency below the threshold expected for the associated phenotype(s). Given the available evidence, this variant is classified as Likely Pathogenic.